The following is an entry in ClinVar:

NM_023013.4(PRAMEF1):c.1278T>C (p.Asn426=)

Gene: PRAMEF1 (PRAME family member 1; plus strand). Cytogenetic location: 1p36.21.
Variant type: single nucleotide variant.
Coding change: c.1278T>C on transcript NM_023013.4 (MANE Select); coding-DNA position 1278, T replaced by C.
Protein change: p.Asn426=; no amino-acid change (asparagine 426 retained).
Molecular consequence: synonymous variant.
Genome position (GRCh38, 1-based): chr1:12,795,849, T>C. VCF-style: chr1-12795849-T-C. GRCh37 (hg19) VCF-style: chr1-12855998-T-C.
Other names: c.543T>C, p.Asn181= (NM_001294139.1).
Identifiers: ClinVar variation 3389002 (VCV003389002.14).

ClinVar aggregate classification (germline): Likely benign (1 of 4 stars; one submission).

gnomAD v4.1: 6 of 1,610,494 alleles (0.00037%); highest among the groups gnomAD compares: Admixed American, 0.0084%; no homozygotes.

Submission:

CeGaT Center for Human Genetics Tuebingen
Classification: Likely benign. Last evaluated: 2024-10-01. Review status: criteria provided, single submitter. Criteria: CeGaT Center For Human Genetics Tuebingen Variant Classification Criteria Version 2. Collection method: clinical testing. Allele origin: germline. Affected: yes. Observed: 1 variant allele.
Comment: PRAMEF1: BP4, BP7